The following is an entry in ClinVar:

NM_005751.5(AKAP9):c.3412G>C (p.Glu1138Gln)

Gene: AKAP9 (A-kinase anchoring protein 9; plus strand). Cytogenetic location: 7q21.2.
Variant type: single nucleotide variant.
Coding change: c.3412G>C on transcript NM_005751.5 (MANE Select); coding-DNA position 3412, G replaced by C.
Protein change: p.Glu1138Gln; replaces glutamic acid 1138 with glutamine.
Molecular consequence: missense variant.
Genome position (GRCh38, 1-based): chr7:92,012,522, G>C. VCF-style: chr7-92012522-G-C. GRCh37 (hg19) VCF-style: chr7-91641836-G-C.
Other names: c.3412G>C, p.Glu1138Gln (NM_147185.3); short protein forms E1138Q.
Identifiers: ClinVar variation 3728259 (VCV003728259.2).
Genomic context (GRCh38, chr7:92,012,522, plus strand): 5'-ATTTGCCTCTCTCTGGTTTATTCAACTCATGTGGATCAGGTTCGTGAATATATGGAAAAT[G>C]AAAAAGATAAAGCTCTTTGCAGTCTTAAAGAAGAGCTTATTTTTGCTCAAGAGGAAAAGA-3'
Protein context (NP_005742.4, residues 1128-1148): VDQVREYMEN[Glu1138Gln]KDKALCSLKE

ClinVar aggregate classification (germline): Uncertain significance (1 of 4 stars; one submission).

Conditions:
Long QT syndrome (LQTS). Identifiers: MedGen C0023976, MeSH D008133, MONDO:0002442. Disease mechanism: loss of function. Inheritance: Various modes of inheritance.

Submission:

Labcorp Genetics (formerly Invitae), Labcorp
Classification: Uncertain significance for Long QT syndrome. Last evaluated: 2024-12-30. Review status: criteria provided, single submitter. Criteria: Invitae Variant Classification Sherloc (09022015). Collection method: clinical testing. Allele origin: germline.
Comment: This sequence change replaces glutamic acid, which is acidic and polar, with glutamine, which is neutral and polar, at codon 1138 of the AKAP9 protein (p.Glu1138Gln). This variant is not present in population databases (gnomAD no frequency). This variant has not been reported in the literature in individuals affected with AKAP9-related conditions. An algorithm developed to predict the effect of missense changes on protein structure and function (PolyPhen-2) suggests that this variant is likely to be disruptive. In summary, the available evidence is currently insufficient to determine the role of this variant in disease. Therefore, it has been classified as a Variant of Uncertain Significance.